The following is an entry in ClinVar:

NM_032444.4(SLX4):c.3161C>T (p.Ser1054Leu)

Gene: SLX4 (SLX4 structure-specific endonuclease subunit; minus strand). Cytogenetic location: 16p13.3.
Variant type: single nucleotide variant.
Coding change: c.3161C>T on transcript NM_032444.4 (MANE Select); coding-DNA position 3161, C replaced by T.
Protein change: p.Ser1054Leu; replaces serine 1054 with leucine.
Molecular consequence: missense variant.
Genome position (GRCh38, 1-based): chr16:3,590,477, G>A on the plus strand (C>T on the coding strand, the complement: SLX4 is on the minus strand). VCF-style: chr16-3590477-G-A. GRCh37 (hg19) VCF-style: chr16-3640478-G-A.
Other names: short protein forms S1054L.
Identifiers: ClinVar variation 2067823 (VCV002067823.4), dbSNP rs373091194, ClinGen allele CA7865981.
Genomic context (GRCh38, chr16:3,590,477, plus strand): 5'-AGCAAGGTTGGGGAGCCCACCTGGGAAGTTCCGCCACGGGACCGGGGTGTTGACAGGGAC[G>A]ACCCACTTGTGTGATGAGACCCGCGGGGACTCCCGCCCTGGGGAGGCCCCAATAGGAAGC-3'
Protein context (NP_115820.2, residues 1044-1064): SPRGSHHTSG[Ser1054Leu]SLSTPRSRGG

ClinVar aggregate classification (germline): Uncertain significance (1 of 4 stars; one submission).

Conditions:
Fanconi anemia (FA). Also called: Fanconi's anemia. Identifiers: Orphanet 84, MedGen C0015625, MeSH D005199, MONDO:0019391.

Allele frequency attached by ClinVar (database versions not stated): ExAC 0.00002; ESP Exome Variant Server 0.00008.

Submission:

Labcorp Genetics (formerly Invitae), Labcorp
Classification: Uncertain significance for Fanconi anemia. Last evaluated: 2022-04-17. Review status: criteria provided, single submitter. Criteria: Invitae Variant Classification Sherloc (09022015). Collection method: clinical testing. Allele origin: germline.
Comment: In summary, the available evidence is currently insufficient to determine the role of this variant in disease. Therefore, it has been classified as a Variant of Uncertain Significance. Algorithms developed to predict the effect of missense changes on protein structure and function output the following: SIFT: "Tolerated"; PolyPhen-2: "Benign"; Align-GVGD: "Class C0". The leucine amino acid residue is found in multiple mammalian species, which suggests that this missense change does not adversely affect protein function. This variant has not been reported in the literature in individuals affected with SLX4-related conditions. This variant is present in population databases (rs373091194, gnomAD 0.01%). This sequence change replaces serine, which is neutral and polar, with leucine, which is neutral and non-polar, at codon 1054 of the SLX4 protein (p.Ser1054Leu).